The following is an entry in ClinVar:

NM_144701.3(IL23R):c.1592C>T (p.Ala531Val)

Gene: IL23R (interleukin 23 receptor; plus strand). Cytogenetic location: 1p31.3.
Variant type: single nucleotide variant.
Coding change: c.1592C>T on transcript NM_144701.3 (MANE Select); coding-DNA position 1592, C replaced by T.
Protein change: p.Ala531Val; replaces alanine 531 with valine.
Molecular consequence: missense variant.
Genome position (GRCh38, 1-based): chr1:67,258,830, C>T. VCF-style: chr1-67258830-C-T. GRCh37 (hg19) VCF-style: chr1-67724513-C-T.
Other names: short protein forms A531V.
Identifiers: ClinVar variation 1381505 (VCV001381505.6), dbSNP rs2100398152, ClinGen allele CA340728791.

ClinVar aggregate classification (germline): Uncertain significance (1 of 4 stars; one submission).

Submission:

Labcorp Genetics (formerly Invitae), Labcorp
Classification: Uncertain significance. Last evaluated: 2021-09-15. Review status: criteria provided, single submitter. Criteria: Invitae Variant Classification Sherloc (09022015). Collection method: clinical testing. Allele origin: germline.
Comment: This sequence change replaces alanine with valine at codon 531 of the IL23R protein (p.Ala531Val). The alanine residue is moderately conserved and there is a small physicochemical difference between alanine and valine. This variant is not present in population databases (ExAC no frequency). This variant has not been reported in the literature in individuals affected with IL23R-related conditions. Algorithms developed to predict the effect of missense changes on protein structure and function output the following: SIFT: "Tolerated"; PolyPhen-2: "Possibly Damaging"; Align-GVGD: "Class C0". The valine amino acid residue is found in multiple mammalian species, which suggests that this missense change does not adversely affect protein function. In summary, the available evidence is currently insufficient to determine the role of this variant in disease. Therefore, it has been classified as a Variant of Uncertain Significance.